The following is an entry in ClinVar:

ClinVar aggregate classification (germline): Uncertain significance. Review status: criteria provided, multiple submitters, no conflicts (2 of 4 stars). 2 submissions from 2 submitters: Uncertain significance (2). Last evaluated 2024-02-23.

Allele frequency attached by ClinVar (database versions not stated): ExAC 0.00003; TOPMed 0.00007.

Submissions (2):

Labcorp Genetics (formerly Invitae), Labcorp
Classification: Uncertain significance. Last evaluated: 2024-02-23. Review status: criteria provided, single submitter. Criteria: Invitae Variant Classification Sherloc (09022015). Collection method: clinical testing. Allele origin: germline.
Comment: This sequence change replaces proline, which is neutral and non-polar, with glutamine, which is neutral and polar, at codon 259 of the KANK2 protein (p.Pro259Gln). This variant is present in population databases (rs200491322, gnomAD 0.09%), and has an allele count higher than expected for a pathogenic variant. This variant has not been reported in the literature in individuals affected with KANK2-related conditions. ClinVar contains an entry for this variant (Variation ID: 2179756). An algorithm developed to predict the effect of missense changes on protein structure and function (PolyPhen-2) suggests that this variant is likely to be tolerated. In summary, the available evidence is currently insufficient to determine the role of this variant in disease. Therefore, it has been classified as a Variant of Uncertain Significance.

Ambry Genetics
Classification: Uncertain significance. Last evaluated: 2023-12-22. Review status: criteria provided, single submitter. Criteria: Ambry Variant Classification Scheme 2023. Collection method: clinical testing. Allele origin: germline.

NM_001136191.3(KANK2):c.776C>A (p.Pro259Gln)

Gene: KANK2 (KN motif and ankyrin repeat domains 2; minus strand). Cytogenetic location: 19p13.2.
Variant type: single nucleotide variant.
Coding change: c.776C>A on transcript NM_001136191.3 (MANE Select); coding-DNA position 776, C replaced by A.
Protein change: p.Pro259Gln; replaces proline 259 with glutamine.
Molecular consequence: missense variant.
Genome position (GRCh38, 1-based): chr19:11,193,304, G>T on the plus strand (C>A on the coding strand, the complement: KANK2 is on the minus strand). VCF-style: chr19-11193304-G-T. GRCh37 (hg19) VCF-style: chr19-11303980-G-T.
Other names: c.776C>A, p.Pro259Gln (NM_001329451.2, NM_001379548.1, NM_001379549.1 and 15 more transcripts); short protein forms P259Q.
Identifiers: ClinVar variation 2179756 (VCV002179756.5), dbSNP rs200491322, ClinGen allele CA9205978.